The following is an entry in ClinVar:

ClinVar aggregate classification (germline): Pathogenic (1 of 4 stars; one submission).

Conditions:
Odonto-onycho-dermal dysplasia. Identifiers: Orphanet 2721, MedGen C0796093, MONDO:0009773, OMIM 257980.
Tooth agenesis, selective, 4 (STHAG4). Also called: LATERAL INCISORS, ABSENCE OF; LATERAL INCISORS, PEGGED OR MISSING; SUCCEDANEOUS TEETH, AGENESIS OF; TOOTH AGENESIS, SELECTIVE, 4, WITH OR WITHOUT ECTODERMAL DYSPLASIA. Identifiers: Orphanet 99798, MedGen C1835492, MONDO:0007881, OMIM 150400. Disease mechanism: loss of function.

Submission:

Labcorp Genetics (formerly Invitae), Labcorp
Classification: Pathogenic for Tooth agenesis, selective, 4; Odonto-onycho-dermal dysplasia. Last evaluated: 2022-12-24. Review status: criteria provided, single submitter. Criteria: Invitae Variant Classification Sherloc (09022015). Collection method: clinical testing. Allele origin: germline.
Comment: This variant is not present in population databases (gnomAD no frequency). This sequence change creates a premature translational stop signal (p.Gly2Alafs*34) in the WNT10A gene. It is expected to result in an absent or disrupted protein product. Loss-of-function variants in WNT10A are known to be pathogenic (PMID: 17847007, 22581971, 25629078). This variant has not been reported in the literature in individuals affected with WNT10A-related conditions. For these reasons, this variant has been classified as Pathogenic.

Literature cited by the submitters: PubMed 17847007; PubMed 22581971; PubMed 25629078.

NM_025216.3(WNT10A):c.5_27del (p.Gly2fs)

Gene: WNT10A (Wnt family member 10A; plus strand). Cytogenetic location: 2q35.
Variant type: Deletion.
Coding change: c.5_27del on transcript NM_025216.3 (MANE Select); coding-DNA positions 5 to 27, 23 bases deleted (GCAGCGCCCACCCTCGCCCCTGG).
Protein change: p.Gly2fs; shifts the reading frame from glycine 2.
Molecular consequence: frameshift variant, initiator codon variant.
Genome position (GRCh38, 1-based): chr2:218,881,000-218,881,022, GCAGCGCCCACCCTCGCCCCTGG deleted; deleting any 23 consecutive bases within chr2:218,880,997-218,881,022 gives the same sequence; the c. name uses the placement nearest the transcript's 3' end. VCF-style (leftmost placement, unchanged base first): chr2-218880996-ATGGGCAGCGCCCACCCTCGCCCC-A. GRCh37 (hg19) VCF-style: chr2-219745718-ATGGGCAGCGCCCACCCTCGCCCC-A.
Other names: short protein forms G2fs.
Identifiers: ClinVar variation 2937327 (VCV002937327.3), dbSNP rs2470301204, ClinGen allele CA2740096458.
Genomic context (GRCh38, chr2:218,880,996, plus strand): 5'-GCTCTCCAGTCCCACTGGGCTGTGAGCCCCCCACTCCCAGCCCGTCAGGGCCTGCGCGCC[ATGGGCAGCGCCCACCCTCGCCCC>A]TGGCTGCGGCTCCGACCCCAGCCCCAGCCGCGGCCAGCGCTCTGGGTGCTCCTGTTCTTC-3'